The following is an entry in ClinVar:

NM_004656.4(BAP1):c.1995G>C (p.Gln665His)

Gene: BAP1 (BRCA1 associated deubiquitinase 1; minus strand). Cytogenetic location: 3p21.1.
Variant type: single nucleotide variant.
Coding change: c.1995G>C on transcript NM_004656.4 (MANE Select); coding-DNA position 1995, G replaced by C.
Protein change: p.Gln665His; replaces glutamine 665 with histidine.
Molecular consequence: missense variant.
Genome position (GRCh38, 1-based): chr3:52,402,663, C>G on the plus strand (G>C on the coding strand, the complement: BAP1 is on the minus strand). VCF-style: chr3-52402663-C-G. GRCh37 (hg19) VCF-style: chr3-52436679-C-G.
Other names: c.1995G>C (NM_004656.2, NM_004656.3); short protein forms Q665H.
Identifiers: ClinVar variation 1027320 (VCV001027320.8), dbSNP rs1705000474, ClinGen allele CA353096357.

ClinVar aggregate classification (germline): Uncertain significance. Review status: criteria provided, multiple submitters, no conflicts (2 of 4 stars). 3 submissions from 3 submitters: Uncertain significance (3). Last evaluated 2025-05-25.

Conditions:
Hereditary cancer-predisposing syndrome. Also called: Neoplastic Syndromes, Hereditary; Tumor predisposition; Hereditary Cancer Syndrome; Hereditary neoplastic syndrome. Identifiers: Orphanet 140162, MedGen C0027672, MeSH D009386, MONDO:0015356.
BAP1-related tumor predisposition syndrome (TPDS1). Also called: Tumor susceptibility linked to germline BAP1 mutations; COMMON Syndrome; BAP1 tumor predisposition syndrome; TUMOR PREDISPOSITION SYNDROME 1. Identifiers: Orphanet 289539, MedGen C3280492, MONDO:0013692, OMIM 614327.

Allele frequency attached by ClinVar (database versions not stated): gnomAD exomes below 0.00001.
gnomAD v4.1: 1 of 1,614,220 alleles (0.000062%); highest among the groups gnomAD compares: South Asian, 0.0011%; no homozygotes.

Submissions (3):

GeneDx
Classification: Uncertain significance. Last evaluated: 2025-05-25. Review status: criteria provided, single submitter. Criteria: GeneDx Variant Classification Process June 2021. Collection method: clinical testing. Allele origin: germline. Affected: yes.
Comment: Not observed at significant frequency in large population cohorts (gnomAD); In silico analysis suggests that this missense variant does not alter protein structure/function; Has not been previously published as pathogenic or benign to our knowledge

Labcorp Genetics (formerly Invitae), Labcorp
Classification: Uncertain significance for BAP1-related tumor predisposition syndrome. Last evaluated: 2024-04-23. Review status: criteria provided, single submitter. Criteria: Invitae Variant Classification Sherloc (09022015). Collection method: clinical testing. Allele origin: germline.
Comment: This sequence change replaces glutamine, which is neutral and polar, with histidine, which is basic and polar, at codon 665 of the BAP1 protein (p.Gln665His). This variant is not present in population databases (gnomAD no frequency). This variant has not been reported in the literature in individuals affected with BAP1-related conditions. ClinVar contains an entry for this variant (Variation ID: 1027320). Advanced modeling of protein sequence and biophysical properties (such as structural, functional, and spatial information, amino acid conservation, physicochemical variation, residue mobility, and thermodynamic stability) has been performed at Invitae for this missense variant, however the output from this modeling did not meet the statistical confidence thresholds required to predict the impact of this variant on BAP1 protein function. In summary, the available evidence is currently insufficient to determine the role of this variant in disease. Therefore, it has been classified as a Variant of Uncertain Significance.

Ambry Genetics
Classification: Uncertain significance for Hereditary cancer-predisposing syndrome. Last evaluated: 2022-12-09. Review status: criteria provided, single submitter. Criteria: Ambry Variant Classification Scheme 2023. Collection method: clinical testing. Allele origin: germline.
Comment: The p.Q665H variant (also known as c.1995G>C), located in coding exon 16 of the BAP1 gene, results from a G to C substitution at nucleotide position 1995. The glutamine at codon 665 is replaced by histidine, an amino acid with highly similar properties. This amino acid position is conserved. In addition, the in silico prediction for this alteration is inconclusive. Since supporting evidence is limited at this time, the clinical significance of this alteration remains unclear.